The following is an entry in ClinVar:

ClinVar aggregate classification (germline): Uncertain significance. Review status: criteria provided, multiple submitters, no conflicts (2 of 4 stars). 2 submissions from 2 submitters: Uncertain significance (2). Last evaluated 2024-11-13.

Allele frequency attached by ClinVar (database versions not stated): TOPMed below 0.00001; ExAC 0.00001; gnomAD 0.00001; gnomAD exomes 0.00001; 1000 Genomes Project 30x 0.00016; 1000 Genomes Project 0.00020.
gnomAD v4.1: 5 of 1,614,236 alleles (0.00031%); highest among the groups gnomAD compares: East Asian, 0.011%; no homozygotes.

Submissions (2):

Labcorp Genetics (formerly Invitae), Labcorp
Classification: Uncertain significance. Last evaluated: 2024-11-13. Review status: criteria provided, single submitter. Criteria: Invitae Variant Classification Sherloc (09022015). Collection method: clinical testing. Allele origin: germline.
Comment: This sequence change replaces glutamine, which is neutral and polar, with arginine, which is basic and polar, at codon 1096 of the NIN protein (p.Gln1096Arg). This variant is present in population databases (rs201510931, gnomAD 0.006%). This variant has not been reported in the literature in individuals affected with NIN-related conditions. ClinVar contains an entry for this variant (Variation ID: 3200080). An algorithm developed to predict the effect of missense changes on protein structure and function (PolyPhen-2) suggests that this variant is likely to be tolerated. In summary, the available evidence is currently insufficient to determine the role of this variant in disease. Therefore, it has been classified as a Variant of Uncertain Significance.

Ambry Genetics
Classification: Uncertain significance. Last evaluated: 2024-01-16. Review status: criteria provided, single submitter. Criteria: Ambry Variant Classification Scheme 2023. Collection method: clinical testing. Allele origin: germline.

NM_020921.4(NIN):c.3287A>G (p.Gln1096Arg)

Gene: NIN (ninein; minus strand). Cytogenetic location: 14q22.1.
Variant type: single nucleotide variant.
Coding change: c.3287A>G on transcript NM_020921.4 (MANE Select); coding-DNA position 3287, A replaced by G.
Protein change: p.Gln1096Arg; replaces glutamine 1096 with arginine.
Molecular consequence: missense variant. On other transcripts: intron variant (1).
Genome position (GRCh38, 1-based): chr14:50,757,743, T>C on the plus strand (A>G on the coding strand, the complement: NIN is on the minus strand). VCF-style: chr14-50757743-T-C. GRCh37 (hg19) VCF-style: chr14-51224461-T-C.
Other names: c.3287A>G, p.Gln1096Arg (NM_182944.3, NM_182946.2); c.2399+2114A>G (NM_016350.5); short protein forms Q1096R.
Identifiers: ClinVar variation 3200080 (VCV003200080.3), dbSNP rs201510931, ClinGen allele CA7181769.